The following is an entry in ClinVar:

NM_144628.4(TBC1D20):c.307G>A (p.Val103Ile)

Gene: TBC1D20 (TBC1 domain family member 20; minus strand). Cytogenetic location: 20p13.
Variant type: single nucleotide variant.
Coding change: c.307G>A on transcript NM_144628.4 (MANE Select); coding-DNA position 307, G replaced by A.
Protein change: p.Val103Ile; replaces valine 103 with isoleucine.
Molecular consequence: missense variant. On other transcripts: non-coding transcript variant (1).
Genome position (GRCh38, 1-based): chr20:445,080, C>T on the plus strand (G>A on the coding strand, the complement: TBC1D20 is on the minus strand). VCF-style: chr20-445080-C-T. GRCh37 (hg19) VCF-style: chr20-425724-C-T.
Other names: short protein forms V103I.
Identifiers: ClinVar variation 2465838 (VCV002465838.4), dbSNP rs997533200, ClinGen allele CA310629490.

ClinVar aggregate classification (germline): Uncertain significance. Review status: criteria provided, multiple submitters, no conflicts (2 of 4 stars). 2 submissions from 2 submitters: Uncertain significance (2). Last evaluated 2024-12-03.

Conditions:
Inborn genetic diseases. Identifiers: MedGen C0950123, MeSH D030342.

Allele frequency attached by ClinVar (database versions not stated): gnomAD 0.00001; TOPMed 0.00001.
gnomAD v4.1: 17 of 1,605,892 alleles (0.0011%); highest among the groups gnomAD compares: East Asian, 0.0022%; no homozygotes.

Submissions (2):

Labcorp Genetics (formerly Invitae), Labcorp
Classification: Uncertain significance. Last evaluated: 2024-12-03. Review status: criteria provided, single submitter. Criteria: Invitae Variant Classification Sherloc (09022015). Collection method: clinical testing. Allele origin: germline.
Comment: This sequence change replaces valine, which is neutral and non-polar, with isoleucine, which is neutral and non-polar, at codon 103 of the TBC1D20 protein (p.Val103Ile). This variant is present in population databases (no rsID available, gnomAD 0.006%). This variant has not been reported in the literature in individuals affected with TBC1D20-related conditions. ClinVar contains an entry for this variant (Variation ID: 2465838). An algorithm developed to predict the effect of missense changes on protein structure and function (PolyPhen-2) suggests that this variant is likely to be disruptive. In summary, the available evidence is currently insufficient to determine the role of this variant in disease. Therefore, it has been classified as a Variant of Uncertain Significance.

Ambry Genetics
Classification: Uncertain significance for Inborn genetic diseases. Last evaluated: 2023-03-14. Review status: criteria provided, single submitter. Criteria: Ambry Variant Classification Scheme 2023. Collection method: clinical testing. Allele origin: germline.